The following is an entry in ClinVar:

NM_001242896.3(DEPDC5):c.306_310del (p.Leu102fs)

Gene: DEPDC5 (DEP domain containing 5, GATOR1 subcomplex subunit; plus strand). Cytogenetic location: 22q12.2.
Variant type: Deletion.
Coding change: c.306_310del on transcript NM_001242896.3 (MANE Select); coding-DNA positions 306 to 310, 5 bases deleted (AACTT; older notation c.306_310delAACTT).
Protein change: p.Leu102fs; shifts the reading frame from leucine 102.
Molecular consequence: frameshift variant. On other transcripts: non-coding transcript variant (5), intron variant (2).
Genome position (GRCh38, 1-based): chr22:31,766,611-31,766,615, AACTT deleted; deleting any 5 consecutive bases within chr22:31,766,609-31,766,615 gives the same sequence; the c. name uses the placement nearest the transcript's 3' end. VCF-style (leftmost placement, unchanged base first): chr22-31766608-ATTAAC-A. GRCh37 (hg19) VCF-style: chr22-32162594-ATTAAC-A.
Other names: c.306_310del, p.Leu102fs (NM_001007188.4, NM_001136029.4, NM_001242897.2 and 7 more transcripts); c.279+1551_279+1555del (NM_001369902.1, NM_001369901.1); short protein forms L102fs.
Identifiers: ClinVar variation 4716765 (VCV004716765.1).

ClinVar aggregate classification (germline): Pathogenic (1 of 4 stars; one submission).

Conditions:
Familial focal epilepsy with variable foci (FPEVF). Identifiers: Orphanet 98820, MedGen C1858477, MONDO:0020310.

Submission:

Labcorp Genetics (formerly Invitae), Labcorp
Classification: Pathogenic for Familial focal epilepsy with variable foci. Last evaluated: 2025-04-07. Review status: criteria provided, single submitter. Criteria: Invitae Variant Classification Sherloc (09022015). Collection method: clinical testing. Allele origin: germline.
Comment: This sequence change creates a premature translational stop signal (p.Leu102Phefs*2) in the DEPDC5 gene. It is expected to result in an absent or disrupted protein product. Loss-of-function variants in DEPDC5 are known to be pathogenic (PMID: 23542697, 23542701). This variant is not present in population databases (gnomAD no frequency). This variant has not been reported in the literature in individuals affected with DEPDC5-related conditions. For these reasons, this variant has been classified as Pathogenic.

Literature cited by the submitters: PubMed 23542697; PubMed 23542701.